The following is an entry in ClinVar:

ClinVar aggregate classification (germline): Likely benign (1 of 4 stars; one submission).

Conditions:
PKD1-related disorder. Also called: PKD1-related condition.

gnomAD v4.1: 7 of 1,608,792 alleles (0.00044%); highest among the groups gnomAD compares: African/African-American, 0.0067%; no homozygotes.

Submission:

PreventionGenetics, part of Exact Sciences
Classification: Likely benign for PKD1-related condition. Last evaluated: 2026-07-02. Review status: criteria provided, single submitter. Criteria: ACMG Guidelines, 2015. Collection method: clinical testing. Allele origin: germline.
Comment: This variant is classified as likely benign based on ACMG/AMP sequence variant interpretation guidelines (Richards et al. 2015 PMID: 25741868, with internal and published modifications).

NM_001009944.3(PKD1):c.5427C>T (p.Ala1809=)

Gene: PKD1 (polycystin 1, transient receptor potential channel interacting; minus strand). Cytogenetic location: 16p13.3.
Variant type: single nucleotide variant.
Coding change: c.5427C>T on transcript NM_001009944.3 (MANE Select); coding-DNA position 5427, C replaced by T.
Protein change: p.Ala1809=; no amino-acid change (alanine 1809 retained).
Molecular consequence: synonymous variant.
Genome position (GRCh38, 1-based): chr16:2,109,740, G>A on the plus strand (C>T on the coding strand, the complement: PKD1 is on the minus strand). VCF-style: chr16-2109740-G-A. GRCh37 (hg19) VCF-style: chr16-2159741-G-A.
Other names: c.5427C>T, p.Ala1809= (NM_000296.4).
Identifiers: ClinVar variation 4995870 (VCV004995870.1).